The following is an entry in ClinVar:

NM_003978.5(PSTPIP1):c.1206C>T (p.Asn402=)

Gene: PSTPIP1 (proline-serine-threonine phosphatase interacting protein 1; plus strand). Cytogenetic location: 15q24.3.
Variant type: single nucleotide variant.
Coding change: c.1206C>T on transcript NM_003978.5 (MANE Select); coding-DNA position 1206, C replaced by T.
Protein change: p.Asn402=; no amino-acid change (asparagine 402 retained).
Molecular consequence: synonymous variant. On other transcripts: non-coding transcript variant (1).
Genome position (GRCh38, 1-based): chr15:77,037,131, C>T. VCF-style: chr15-77037131-C-T. GRCh37 (hg19) VCF-style: chr15-77329472-C-T.
Other names: p.N402N:AAC>AAT; c.1149C>T, p.Asn383= (NM_001321135.2); c.1179C>T, p.Asn393= (NM_001321136.2); c.1401C>T, p.Asn467= (NM_001321137.1).
Identifiers: ClinVar variation 138833 (VCV000138833.48), dbSNP rs146035424, ClinGen allele CA292955.

ClinVar aggregate classification (germline): Benign/Likely benign. Review status: criteria provided, multiple submitters, no conflicts (2 of 4 stars). 7 submissions from 7 submitters: Benign (6); Likely benign (1). Last evaluated 2026-01-25.

Conditions:
Pyogenic arthritis-pyoderma gangrenosum-acne syndrome (PAPA). Also called: PAPA SYNDROME; FAMILIAL RECURRENT ARTHRITIS. Identifiers: Orphanet 69126, MedGen C1858361, MONDO:0011462, OMIM 604416.

Allele frequency attached by ClinVar (database versions not stated): gnomAD exomes 0.00054 and 0.00075; ExAC 0.00096; ESP Exome Variant Server 0.00279; gnomAD 0.00288 and 0.00308; TOPMed 0.00318; 1000 Genomes Project 30x 0.00344; 1000 Genomes Project 0.00359.
gnomAD v4.1: 1,243 of 1,612,130 alleles (0.077%); highest among the groups gnomAD compares: African/African-American, 1.1%; 3 homozygotes.

Submissions (7):

Labcorp Genetics (formerly Invitae), Labcorp
Classification: Benign for Pyogenic arthritis-pyoderma gangrenosum-acne syndrome. Last evaluated: 2026-01-25. Review status: criteria provided, single submitter. Criteria: Invitae Variant Classification Sherloc (09022015). Collection method: clinical testing. Allele origin: germline.

Women's Health and Genetics/Laboratory Corporation of America, LabCorp
Classification: Benign. Last evaluated: 2026-01-22. Review status: criteria provided, single submitter. Criteria: LabCorp Variant Classification Summary - May 2015. Collection method: clinical testing. Allele origin: germline.

Blueprint Genetics
Classification: Likely benign. Last evaluated: 2024-11-11. Review status: criteria provided, single submitter. Criteria: ACMG Guidelines, 2015. Collection method: clinical testing. Allele origin: germline.

CeGaT Center for Human Genetics Tuebingen
Classification: Benign. Last evaluated: 2022-06-01. Review status: criteria provided, single submitter. Criteria: CeGaT Center For Human Genetics Tuebingen Variant Classification Criteria Version 2. Collection method: clinical testing. Allele origin: germline. Affected: yes. Observed: 1 variant allele.
Comment: PSTPIP1: BS1, BS2

Illumina Laboratory Services, Illumina
Classification: Benign for Pyogenic arthritis-pyoderma gangrenosum-acne syndrome. Last evaluated: 2018-01-12. Review status: criteria provided, single submitter. Criteria: ICSL Variant Classification Criteria 13 December 2019. Collection method: clinical testing. Allele origin: germline.
Comment: This variant was observed in the ICSL laboratory as part of a predisposition screen in an ostensibly healthy population. It had not been previously curated by ICSL or reported in the Human Gene Mutation Database (HGMD: prior to June 1st, 2018), and was therefore a candidate for classification through an automated scoring system. Utilizing variant allele frequency, disease prevalence and penetrance estimates, and inheritance mode, an automated score was calculated to assess if this variant is too frequent to cause the disease. Based on the score and internal cut-off values, a variant classified as benign is not then subjected to further curation. The score for this variant resulted in a classification of benign for this disease.

ARUP Laboratories, Molecular Genetics and Genomics, ARUP Laboratories
Classification: Benign. Last evaluated: 2016-12-14. Review status: criteria provided, single submitter. Criteria: ARUP Molecular Germline Variant Investigation Process. Collection method: clinical testing. Allele origin: germline.

GeneDx
Classification: Benign. Last evaluated: 2012-09-13. Review status: criteria provided, single submitter. Criteria: GeneDx Variant Classification (06012015). Collection method: clinical testing. Allele origin: germline. Affected: yes.
Comment: This variant is considered likely benign or benign based on one or more of the following criteria: it is a conservative change, it occurs at a poorly conserved position in the protein, it is predicted to be benign by multiple in silico algorithms, and/or has population frequency not consistent with disease.